The following is an entry in ClinVar:

ClinVar aggregate classification (germline): not provided (0 of 4 stars; one submission).

Conditions:
Van der Woude syndrome 1. Also called: van der Woude Syndrome (VWS); CLEFT LIP AND/OR PALATE WITH MUCOUS CYSTS OF LOWER LIP. Identifiers: MedGen C4551864, MONDO:0007333, OMIM 119300.

Submission:

GeneReviews
No classification provided. Condition: Van der Woude syndrome 1. Review status: no classification provided. Collection method: literature only. Allele origin: germline.
Comment: Seen only in persons with Van der Woude syndrome

Literature cited by the submitters: NCBI Bookshelf NBK1407.

NM_006147.4(IRF6):c.250C>G (p.Arg84Gly)

Gene: IRF6 (interferon regulatory factor 6; minus strand). Cytogenetic location: 1q32.2.
Variant type: single nucleotide variant.
Coding change: c.250C>G on transcript NM_006147.4 (MANE Select); coding-DNA position 250, C replaced by G.
Protein change: p.Arg84Gly; replaces arginine 84 with glycine.
Molecular consequence: missense variant. On other transcripts: 5 prime UTR variant (1).
Genome position (GRCh38, 1-based): chr1:209,796,477, G>C on the plus strand (C>G on the coding strand, the complement: IRF6 is on the minus strand). VCF-style: chr1-209796477-G-C. GRCh37 (hg19) VCF-style: chr1-209969822-G-C.
Other names: c.-36C>G (NM_001206696.2); short protein forms R84G.
Identifiers: ClinVar variation 1320305 (VCV001320305.2), dbSNP rs121434226, ClinGen allele CA344583336.
Genomic context (GRCh38, chr1:209,796,477, plus strand): 5'-GCACCTCCTTGGTGCCATCATACATCAGGTTGAATTCTCTGCTCTTATTGAGAGCACAGC[G>C]CAGCTGGGCCTTCCATTTAGCTGGGTCAGGGTCATCCACCCCTTCCTGGTACTTCCCTGT-3'
Protein context (NP_006138.1, residues 74-94): PDPAKWKAQL[Arg84Gly]CALNKSREFN